The following is an entry in ClinVar:

NM_001098.3(ACO2):c.1132C>T (p.Arg378Ter)

Gene: ACO2 (aconitase 2; plus strand). Cytogenetic location: 22q13.2.
Variant type: single nucleotide variant.
Coding change: c.1132C>T on transcript NM_001098.3 (MANE Select); coding-DNA position 1132, C replaced by T.
Protein change: p.Arg378Ter; replaces arginine 378 with a stop codon.
Molecular consequence: nonsense.
Genome position (GRCh38, 1-based): chr22:41,520,270, C>T. VCF-style: chr22-41520270-C-T. GRCh37 (hg19) VCF-style: chr22-41916274-C-T.
Other names: short protein forms R378*.
Identifiers: ClinVar variation 1061997 (VCV001061997.15), dbSNP rs2066512609, ClinGen allele CA411724144.

ClinVar aggregate classification (germline): Pathogenic/Likely pathogenic. Review status: criteria provided, multiple submitters, no conflicts (2 of 4 stars). 5 submissions from 5 submitters: Pathogenic (3); Likely pathogenic (2). Last evaluated 2026-07-28.

Conditions:
ACO2-related disorder. Also called: ACO2-Related Disorders.
Optic neuropathy. Also called: Optic nerve disorder. Identifiers: MedGen C3887709, MONDO:0002135, HP:0001138.

Allele frequency attached by ClinVar (database versions not stated): gnomAD 0.00001.
gnomAD v4.1: 4 of 1,613,464 alleles (0.00025%); highest among the groups gnomAD compares: African/African-American, 0.0027%; no homozygotes.

Submissions (5):

GeneDx
Classification: Pathogenic. Last evaluated: 2026-07-28. Review status: criteria provided, single submitter. Criteria: GeneDx Variant Classification Process June 2021. Collection method: clinical testing. Allele origin: germline.
Comment: Identified in the heterozygous state in a patient with optic neuropathy in the literature; the variant was also noted to be heterozygous in an asymptomatic parent (PMID: 34056600); Nonsense variant predicted to result in protein truncation or nonsense mediated decay in a gene for which loss of function is a known mechanism of disease; Not observed at significant frequency in large population cohorts (gnomAD); This variant is associated with the following publications: (PMID: 27535533, 34056600)

Genetics Laboratory, Great Ormond Street Hospital NHS Foundation Trust, North Thames Genomic Laboratory Hub
Classification: Pathogenic for Optic neuropathy. Last evaluated: 2025-08-07. Review status: criteria provided, single submitter. Criteria: ACGS Best Practice Guidelines for Variant Classification in Rare Disease 2024 v1.2. Collection method: clinical testing. Allele origin: germline. Affected: yes.
Comment: PS4_supporting, PVS1_very-strong, PP4_supporting

Labcorp Genetics (formerly Invitae), Labcorp
Classification: Pathogenic. Last evaluated: 2024-10-22. Review status: criteria provided, single submitter. Criteria: Invitae Variant Classification Sherloc (09022015). Collection method: clinical testing. Allele origin: germline.
Comment: This sequence change creates a premature translational stop signal (p.Arg378*) in the ACO2 gene. It is expected to result in an absent or disrupted protein product. Loss-of-function variants in ACO2 are known to be pathogenic (PMID: 30689204, 32519519). This variant is not present in population databases (gnomAD no frequency). This premature translational stop signal has been observed in individual(s) with autosomal dominant optic atrophy (PMID: 34056600). ClinVar contains an entry for this variant (Variation ID: 1061997). For these reasons, this variant has been classified as Pathogenic.

Revvity Omics, Revvity
Classification: Likely pathogenic. Last evaluated: 2024-03-07. Review status: criteria provided, single submitter. Criteria: ACMG Guidelines, 2015. Collection method: clinical testing. Allele origin: germline.

Blueprint Genetics
Classification: Likely pathogenic for ACO2-related disorders. Last evaluated: 2020-03-03. Review status: criteria provided, single submitter. Criteria: ACMG Guidelines, 2015. Collection method: clinical testing. Allele origin: germline. Affected: yes. Observed: 1 variant allele.

Literature cited by the submitters: PubMed 30689204 (cited by Labcorp Genetics (formerly Invitae), Labcorp); PubMed 32519519 (cited by Labcorp Genetics (formerly Invitae), Labcorp); PubMed 34056600 (cited by Labcorp Genetics (formerly Invitae), Labcorp).